The following is an entry in ClinVar:

NM_025114.4(CEP290):c.2435T>A (p.Phe812Tyr)

Gene: CEP290 (centrosomal protein 290; minus strand). Cytogenetic location: 12q21.32.
Variant type: single nucleotide variant.
Coding change: c.2435T>A on transcript NM_025114.4 (MANE Select); coding-DNA position 2435, T replaced by A.
Protein change: p.Phe812Tyr; replaces phenylalanine 812 with tyrosine.
Molecular consequence: missense variant.
Genome position (GRCh38, 1-based): chr12:88,109,114, A>T on the plus strand (T>A on the coding strand, the complement: CEP290 is on the minus strand). VCF-style: chr12-88109114-A-T. GRCh37 (hg19) VCF-style: chr12-88502891-A-T.
Other names: short protein forms F812Y.
Identifiers: ClinVar variation 1025188 (VCV001025188.11), dbSNP rs2038494496, ClinGen allele CA385972779.
Genomic context (GRCh38, chr12:88,109,114, plus strand): 5'-TAATACCTATACCTTAGGTATTCTTTATACAACAAACTTTGTTGATGACGAATTACAGCA[A>T]ATTTTCTGTTGTAATCTTCAAGAGAATCTTCTAAATTCTTTAACTTTTTTTCTTTATTTT-3'
Protein context (NP_079390.3, residues 802-822): EDSLEDYNRK[Phe812Tyr]AVIRHQQSLL

ClinVar aggregate classification (germline): Uncertain significance (1 of 4 stars; one submission).

Conditions:
Joubert syndrome. Also called: Familial aplasia of the vermis; CEREBELLOPARENCHYMAL DISORDER IV; JOUBERT-BOLTSHAUSER SYNDROME. Identifiers: Orphanet 475, MedGen C5979921, MONDO:0018772.
Meckel-Gruber syndrome. Also called: Dysencephalia splachnocystica; DYSENCEPHALIA SPLANCHNOCYSTICA; GRUBER SYNDROME. Identifiers: Orphanet 564, MedGen C0265215, MONDO:0018921.
Nephronophthisis. Also called: Juvenile Nephronophthisis. Identifiers: Orphanet 655, MedGen C0687120, MONDO:0019005, HP:0000090.

Allele frequency attached by ClinVar (database versions not stated): gnomAD exomes below 0.00001.
gnomAD v4.1: 4 of 1,471,432 alleles (0.00027%); highest among the groups gnomAD compares: Non-Finnish European, 0.00036%; no homozygotes.

Submission:

Labcorp Genetics (formerly Invitae), Labcorp
Classification: Uncertain significance for Joubert syndrome; Meckel-Gruber syndrome; Nephronophthisis. Last evaluated: 2024-02-24. Review status: criteria provided, single submitter. Criteria: Invitae Variant Classification Sherloc (09022015). Collection method: clinical testing. Allele origin: germline.
Comment: This sequence change replaces phenylalanine, which is neutral and non-polar, with tyrosine, which is neutral and polar, at codon 812 of the CEP290 protein (p.Phe812Tyr). This variant is not present in population databases (gnomAD no frequency). This variant has not been reported in the literature in individuals affected with CEP290-related conditions. ClinVar contains an entry for this variant (Variation ID: 1025188). Advanced modeling of protein sequence and biophysical properties (such as structural, functional, and spatial information, amino acid conservation, physicochemical variation, residue mobility, and thermodynamic stability) has been performed at Invitae for this missense variant, however the output from this modeling did not meet the statistical confidence thresholds required to predict the impact of this variant on CEP290 protein function. In summary, the available evidence is currently insufficient to determine the role of this variant in disease. Therefore, it has been classified as a Variant of Uncertain Significance.